The following is an entry in ClinVar:

NC_000018.9:g.(?_42281312)_(42281817_?)dup

Gene: SETBP1 (SET binding protein 1; plus strand). Cytogenetic location: 18q12.3.
Variant type: Duplication.
Identifiers: ClinVar variation 3242807 (VCV003242807.1).

ClinVar aggregate classification (germline): Uncertain significance (1 of 4 stars; one submission).

Submission:

Labcorp Genetics (formerly Invitae), Labcorp
Classification: Uncertain significance. Last evaluated: 2022-12-27. Review status: criteria provided, single submitter. Criteria: Invitae Variant Classification Sherloc (09022015). Collection method: clinical testing. Allele origin: unknown.
Comment: In summary, the available evidence is currently insufficient to determine the role of this variant in disease. Therefore, it has been classified as a Variant of Uncertain Significance. This variant has not been reported in the literature in individuals affected with SETBP1-related conditions. This variant results in a copy number gain of the genomic region encompassing exon(s) 2 of the SETBP1 gene. This region includes the initiator codon of the gene. This copy number gain extends beyond the assayed region for this gene and therefore may encompass additional genes. As the precise location of this event is unknown, it may be in tandem or it may be located elsewhere in the genome.